The following is an entry in ClinVar:

NM_001009944.3(PKD1):c.3893G>A (p.Arg1298His)

Gene: PKD1 (polycystin 1, transient receptor potential channel interacting; minus strand). Cytogenetic location: 16p13.3.
Variant type: single nucleotide variant.
Coding change: c.3893G>A on transcript NM_001009944.3 (MANE Select); coding-DNA position 3893, G replaced by A.
Protein change: p.Arg1298His; replaces arginine 1298 with histidine.
Molecular consequence: missense variant.
Genome position (GRCh38, 1-based): chr16:2,111,274, C>T on the plus strand (G>A on the coding strand, the complement: PKD1 is on the minus strand). VCF-style: chr16-2111274-C-T. GRCh37 (hg19) VCF-style: chr16-2161275-C-T.
Other names: c.3893G>A (NM_000296.3); c.3893G>A, p.Arg1298His (NM_000296.4); short protein forms R1298H.
Identifiers: ClinVar variation 1704359 (VCV001704359.4), dbSNP rs536743722, ClinGen allele CA7832591.

ClinVar aggregate classification (germline): Uncertain significance. Review status: criteria provided, multiple submitters, no conflicts (2 of 4 stars). 3 submissions from 3 submitters: Uncertain significance (3). Last evaluated 2024-05-06.

Conditions:
Inborn genetic diseases. Identifiers: MedGen C0950123, MeSH D030342.
Polycystic kidney disease, adult type (PKD1). Also called: Polycystic Kidney Disease 1, Autosomal Dominant; Polycystic kidney disease 1; Polycystic kidney disease 1, severe; Polycystic Kidney, Autosomal Dominant; POLYCYSTIC KIDNEY DISEASE 1 WITH OR WITHOUT POLYCYSTIC LIVER DISEASE; POLYCYSTIC KIDNEY DISEASE, ADULT, TYPE I. Identifiers: MedGen C3149841, MONDO:0008263, OMIM 173900.

gnomAD v4.1: 18 of 1,609,674 alleles (0.0011%); highest among the groups gnomAD compares: East Asian, 0.018%; no homozygotes.

Submissions (3):

Fulgent Genetics
Classification: Uncertain significance for Polycystic kidney disease, adult type. Last evaluated: 2024-05-06. Review status: criteria provided, single submitter. Criteria: ACMG Guidelines, 2015. Collection method: clinical testing. Allele origin: germline.

Ambry Genetics
Classification: Uncertain significance for Inborn genetic diseases. Last evaluated: 2023-04-05. Review status: criteria provided, single submitter. Criteria: Ambry Variant Classification Scheme 2023. Collection method: clinical testing. Allele origin: germline.

Johns Hopkins Genomics, Johns Hopkins University
Classification: Uncertain significance for Polycystic kidney disease, adult type. Last evaluated: 2022-04-29. Review status: criteria provided, single submitter. Criteria: ACMG Guidelines, 2015. Collection method: clinical testing. Allele origin: germline.
Comment: This PKD1 variant (rs536743722) is rare (<0.1%) in a large population dataset (gnomAD: 6/239748 total alleles; 0.0025%; no homozygotes) and has not been reported in ClinVar nor the literature, to our knowledge. Three bioinformatic tools queried predict that this substitution would be tolerated. The arginine residue at this position is not highly evolutionarily conserved across the species assessed and histidine is present at this position in multiple species. We consider the clinical significance of PKD1 c.3893G>A to be uncertain at this time.